The following is an entry in ClinVar:

ClinVar aggregate classification (germline): Uncertain significance (1 of 4 stars; one submission).

Conditions:
Renal cell carcinoma. Identifiers: Orphanet 217071, MedGen C0007134, MeSH D002292, MONDO:0005086, HP:0005584.

Submission:

Labcorp Genetics (formerly Invitae), Labcorp
Classification: Uncertain significance for Renal cell carcinoma. Last evaluated: 2024-02-17. Review status: criteria provided, single submitter. Criteria: Invitae Variant Classification Sherloc (09022015). Collection method: clinical testing. Allele origin: germline.
Comment: This sequence change replaces asparagine, which is neutral and polar, with lysine, which is basic and polar, at codon 257 of the MET protein (p.Asn257Lys). This variant is not present in population databases (gnomAD no frequency). This variant has not been reported in the literature in individuals affected with MET-related conditions. ClinVar contains an entry for this variant (Variation ID: 1390621). Advanced modeling of protein sequence and biophysical properties (such as structural, functional, and spatial information, amino acid conservation, physicochemical variation, residue mobility, and thermodynamic stability) performed at Invitae indicates that this missense variant is not expected to disrupt MET protein function with a negative predictive value of 80%. In summary, the available evidence is currently insufficient to determine the role of this variant in disease. Therefore, it has been classified as a Variant of Uncertain Significance.

NM_000245.4(MET):c.771T>G (p.Asn257Lys)

Gene: MET (MET proto-oncogene, receptor tyrosine kinase; plus strand). Cytogenetic location: 7q31.2.
Variant type: single nucleotide variant.
Coding change: c.771T>G on transcript NM_000245.4 (MANE Select); coding-DNA position 771, T replaced by G.
Protein change: p.Asn257Lys; replaces asparagine 257 with lysine.
Molecular consequence: missense variant. On other transcripts: intron variant (1).
Genome position (GRCh38, 1-based): chr7:116,699,855, T>G. VCF-style: chr7-116699855-T-G. GRCh37 (hg19) VCF-style: chr7-116339909-T-G.
Other names: c.771T>G, p.Asn257Lys (NM_001127500.3, NM_001324401.3); c.-91+27278T>G (NM_001324402.2); short protein forms N257K.
Identifiers: ClinVar variation 1390621 (VCV001390621.6), dbSNP rs2116597435, ClinGen allele CA368969816.